The following is an entry in ClinVar:

NM_000465.4(BARD1):c.1322_1323dup (p.Pro442fs)

Gene: BARD1 (BRCA1 associated RING domain 1; minus strand). Cytogenetic location: 2q35.
Variant type: Duplication.
Coding change: c.1322_1323dup on transcript NM_000465.4 (MANE Select); coding-DNA positions 1322 to 1323, 2 bases duplicated (TA; older notation c.1322_1323dupTA).
Protein change: p.Pro442fs; shifts the reading frame from proline 442.
Molecular consequence: frameshift variant. On other transcripts: non-coding transcript variant (3), intron variant (3).
Genome position (GRCh38, 1-based): chr2:214,769,304-214,769,305, TA duplicated on the plus strand (TA on the coding strand, the reverse complement: BARD1 is on the minus strand); duplicating any 2 consecutive bases within chr2:214,769,304-214,769,306 gives the same sequence; the c. name uses the placement nearest the transcript's 3' end. VCF-style (leftmost placement, unchanged base first): chr2-214769303-G-GTA. GRCh37 (hg19) VCF-style: chr2-215634027-G-GTA.
Other names: c.1265_1266dup, p.Pro423fs (NM_001282543.2); c.159-16750_159-16749dup (NM_001282548.2); c.216-16750_216-16749dup (NM_001282545.2); c.364+22992_364+22993dup (NM_001282549.2); short protein forms P423fs, P442fs.
Identifiers: ClinVar variation 2431284 (VCV002431284.3), dbSNP rs2469454780, ClinGen allele CA2580065648.

ClinVar aggregate classification (germline): Pathogenic. Review status: criteria provided, multiple submitters, no conflicts (2 of 4 stars). 2 submissions from 2 submitters: Pathogenic (2). Last evaluated 2024-05-08.

Conditions:
Familial cancer of breast. Also called: Hereditary breast cancer; BREAST CANCER, FAMILIAL; hereditary breast carcinoma. Identifiers: Orphanet 227535, MedGen C0346153, MONDO:0016419, OMIM 114480. Disease mechanism: loss of function.

Submissions (2):

Labcorp Genetics (formerly Invitae), Labcorp
Classification: Pathogenic for Familial cancer of breast. Last evaluated: 2024-05-08. Review status: criteria provided, single submitter. Criteria: Invitae Variant Classification Sherloc (09022015). Collection method: clinical testing. Allele origin: germline.
Comment: This sequence change creates a premature translational stop signal (p.Pro442Tyrfs*34) in the BARD1 gene. It is expected to result in an absent or disrupted protein product. Loss-of-function variants in BARD1 are known to be pathogenic (PMID: 20077502, 21344236). This variant is not present in population databases (gnomAD no frequency). This variant has not been reported in the literature in individuals affected with BARD1-related conditions. ClinVar contains an entry for this variant (Variation ID: 2431284). For these reasons, this variant has been classified as Pathogenic.

Myriad Genetics, Inc.
Classification: Pathogenic for Familial cancer of breast. Last evaluated: 2023-01-10. Review status: criteria provided, single submitter. Criteria: Myriad Autosomal Dominant, Autosomal Recessive and X-Linked Classification Criteria (2023). Collection method: clinical testing. Allele origin: unknown.
Comment: This variant is considered pathogenic. This variant creates a frameshift predicted to result in premature protein truncation.

Literature cited by the submitters: PubMed 20077502 (cited by Labcorp Genetics (formerly Invitae), Labcorp); PubMed 21344236 (cited by Labcorp Genetics (formerly Invitae), Labcorp).